The following is an entry in ClinVar:

ClinVar aggregate classification (germline): Uncertain significance (1 of 4 stars; one submission).

Conditions:
Hereditary cancer-predisposing syndrome. Also called: Neoplastic Syndromes, Hereditary; Tumor predisposition; Hereditary neoplastic syndrome; Hereditary Cancer Syndrome. Identifiers: Orphanet 140162, MedGen C0027672, MeSH D009386, MONDO:0015356.
Cardiovascular phenotype. Identifiers: MedGen CN230736.

Allele frequency attached by ClinVar (database versions not stated): gnomAD exomes below 0.00001.
gnomAD v4.1: 1 of 1,151,632 alleles (0.000087%); highest among the groups gnomAD compares: Non-Finnish European, 0.00013%; no homozygotes.

Submission:

Ambry Genetics
Classification: Uncertain significance for Cardiovascular phenotype; Hereditary cancer-predisposing syndrome. Last evaluated: 2020-10-07. Review status: criteria provided, single submitter. Criteria: Ambry Variant Classification Scheme 2023. Collection method: clinical testing. Allele origin: germline.
Comment: The c.480-65G>A intronic alteration consists of a G to A substitution 65 nucleotides before coding exon 5 in the NF1 gene. Based on insufficient or conflicting evidence, the clinical significance of this alteration remains unclear.

NM_001042492.3(NF1):c.480-65G>A

Gene: NF1 (neurofibromin 1; plus strand). Cytogenetic location: 17q11.2.
Variant type: single nucleotide variant.
Coding change: c.480-65G>A on transcript NM_001042492.3 (MANE Select); 65 bases into the intron before coding-DNA position 480, G replaced by A.
Molecular consequence: intron variant.
Genome position (GRCh38, 1-based): chr17:31,169,826, G>A. VCF-style: chr17-31169826-G-A. GRCh37 (hg19) VCF-style: chr17-29496844-G-A.
Other names: c.480-65G>A (NM_000267.4, NM_001128147.3).
Identifiers: ClinVar variation 3237774 (VCV003237774.1), dbSNP rs2065902078.